The following is an entry in ClinVar:

ClinVar aggregate classification (germline): Uncertain significance (1 of 4 stars; one submission).

Submission:

GeneDx
Classification: Uncertain significance. Last evaluated: 2024-05-28. Review status: criteria provided, single submitter. Criteria: GeneDx Variant Classification Process June 2021. Collection method: clinical testing. Allele origin: germline. Affected: yes.
Comment: Not observed at significant frequency in large population cohorts (gnomAD); In silico analysis supports that this missense variant has a deleterious effect on protein structure/function; Has not been previously published as pathogenic or benign to our knowledge

NM_003070.5(SMARCA2):c.346C>T (p.His116Tyr)

Gene: SMARCA2 (SWI/SNF related BAF chromatin remodeling complex subunit ATPase 2; plus strand). Cytogenetic location: 9p24.3.
Variant type: single nucleotide variant.
Coding change: c.346C>T on transcript NM_003070.5 (MANE Select); coding-DNA position 346, C replaced by T.
Protein change: p.His116Tyr; replaces histidine 116 with tyrosine.
Molecular consequence: missense variant.
Genome position (GRCh38, 1-based): chr9:2,033,072, C>T. VCF-style: chr9-2033072-C-T. GRCh37 (hg19) VCF-style: chr9-2033072-C-T.
Other names: c.346C>T, p.His116Tyr (NM_001289396.2, NM_001289397.2, NM_139045.4); short protein forms H116Y.
Identifiers: ClinVar variation 3383706 (VCV003383706.1).